The following is an entry in ClinVar:

ClinVar aggregate classification (germline): Pathogenic (1 of 4 stars; one submission).

Conditions:
Peroxisome biogenesis disorder. Identifiers: Orphanet 79189, MedGen C1832200, MONDO:0019234. Disease mechanism: loss of function.

Submission:

Labcorp Genetics (formerly Invitae), Labcorp
Classification: Pathogenic for Peroxisome biogenesis disorder. Last evaluated: 2023-09-26. Review status: criteria provided, single submitter. Criteria: Invitae Variant Classification Sherloc (09022015). Collection method: clinical testing. Allele origin: germline.
Comment: This variant is a gross deletion of the genomic region encompassing exon(s) 2-3 of the PEX6 gene. This deletion is out-of-frame, and is expected to create a premature termination codon and result in an absent or disrupted protein product. Loss-of-function variants in PEX6 are known to be pathogenic (PMID: 10408779, 21031596, 31831025). This variant has not been reported in the literature in individuals affected with PEX6-related conditions. For these reasons, this variant has been classified as Pathogenic.

Literature cited by the submitters: PubMed 10408779; PubMed 21031596; PubMed 31831025.

NC_000006.11:g.(?_42941721)_(42942796_?)del

Gene: PEX6 (peroxisomal biogenesis factor 6; minus strand). Cytogenetic location: 6p21.1.
Variant type: Deletion.
Identifiers: ClinVar variation 1454841 (VCV001454841.7).